The following is an entry in ClinVar:

NM_004963.4(GUCY2C):c.143C>G (p.Ala48Gly)

Genes: GUCY2C (guanylate cyclase 2C; minus strand), GUCY2C-AS1 (GUCY2C antisense RNA 1; plus strand). Cytogenetic location: 12p12.3.
Variant type: single nucleotide variant.
Coding change: c.143C>G on transcript NM_004963.4 (MANE Select); coding-DNA position 143, C replaced by G.
Protein change: p.Ala48Gly; replaces alanine 48 with glycine.
Molecular consequence: missense variant.
Genome position (GRCh38, 1-based): chr12:14,696,306, G>C on the plus strand (C>G on the coding strand, the complement: GUCY2C is on the minus strand). VCF-style: chr12-14696306-G-C. GRCh37 (hg19) VCF-style: chr12-14849240-G-C.
Other names: c.143C>G (NM_004963.3); short protein forms A48G.
Identifiers: ClinVar variation 1485737 (VCV001485737.10), dbSNP rs144941598, ClinGen allele CA6463838.

ClinVar aggregate classification (germline): Uncertain significance. Review status: criteria provided, multiple submitters, no conflicts (2 of 4 stars). 3 submissions from 3 submitters: Uncertain significance (3). Last evaluated 2025-02-06.

Conditions:
GUCY2C-related disorder. Also called: GUCY2C-related condition.
Congenital diarrhea 6. Identifiers: Orphanet 314373, MedGen C3553270, MONDO:0013825, OMIM 614616.
Intestinal obstruction in the newborn due to guanylate cyclase 2C deficiency. Identifiers: Orphanet 314376, MedGen C4518781, MONDO:0013843, OMIM 614665.

Allele frequency attached by ClinVar (database versions not stated): ESP Exome Variant Server 0.00023.
gnomAD v4.1: 94 of 1,614,002 alleles (0.0058%); highest among the groups gnomAD compares: African/African-American, 0.11%; no homozygotes.

Submissions (3):

Labcorp Genetics (formerly Invitae), Labcorp
Classification: Uncertain significance. Last evaluated: 2025-02-06. Review status: criteria provided, single submitter. Criteria: Invitae Variant Classification Sherloc (09022015). Collection method: clinical testing. Allele origin: germline.
Comment: This sequence change replaces alanine, which is neutral and non-polar, with glycine, which is neutral and non-polar, at codon 48 of the GUCY2C protein (p.Ala48Gly). This variant is present in population databases (rs144941598, gnomAD 0.09%). This variant has not been reported in the literature in individuals affected with GUCY2C-related conditions. ClinVar contains an entry for this variant (Variation ID: 1485737). An algorithm developed to predict the effect of missense changes on protein structure and function (PolyPhen-2) suggests that this variant is likely to be tolerated. In summary, the available evidence is currently insufficient to determine the role of this variant in disease. Therefore, it has been classified as a Variant of Uncertain Significance.

PreventionGenetics, part of Exact Sciences
Classification: Uncertain significance for GUCY2C-related condition. Last evaluated: 2024-12-12. Review status: criteria provided, single submitter. Criteria: ACMG Guidelines, 2015. Collection method: clinical testing. Allele origin: germline.
Comment: The GUCY2C c.143C>G variant is predicted to result in the amino acid substitution p.Ala48Gly. To our knowledge, this variant has not been reported in the literature. This variant is reported in 0.076% of alleles in individuals of African descent in gnomAD. Although we suspect that this variant may be benign, at this time, the clinical significance of this variant is uncertain due to the absence of conclusive functional and genetic evidence.

Fulgent Genetics
Classification: Uncertain significance for Congenital diarrhea 6; Intestinal obstruction in the newborn due to guanylate cyclase 2C deficiency. Last evaluated: 2024-04-10. Review status: criteria provided, single submitter. Criteria: ACMG Guidelines, 2015. Collection method: clinical testing. Allele origin: germline.